The following is an entry in ClinVar:

ClinVar aggregate classification (germline): Uncertain significance. Review status: criteria provided, multiple submitters, no conflicts (2 of 4 stars). 3 submissions from 3 submitters: Uncertain significance (3). Last evaluated 2023-04-11.

Conditions:
Microcephaly 5, primary, autosomal recessive (MCPH5). Also called: ASPM Primary Microcephaly. Identifiers: Orphanet 2512, MedGen C1837501, MONDO:0012106, OMIM 608716.

Allele frequency attached by ClinVar (database versions not stated): ESP Exome Variant Server 0.00008; gnomAD 0.00009 and 0.00010; TOPMed 0.00011; ExAC 0.00002; gnomAD exomes 0.00002 and 0.00006.

Submissions (3):

Genome-Nilou Lab
Classification: Uncertain significance for Microcephaly 5, primary, autosomal recessive. Last evaluated: 2023-04-11. Review status: criteria provided, single submitter. Criteria: ACMG Guidelines, 2015. Collection method: clinical testing. Allele origin: germline. Affected: no.

Labcorp Genetics (formerly Invitae), Labcorp
Classification: Uncertain significance. Last evaluated: 2021-09-14. Review status: criteria provided, single submitter. Criteria: Invitae Variant Classification Sherloc (09022015). Collection method: clinical testing. Allele origin: germline.
Comment: This sequence change replaces arginine with cysteine at codon 3193 of the ASPM protein (p.Arg3193Cys). The arginine residue is highly conserved and there is a large physicochemical difference between arginine and cysteine. This variant is present in population databases (rs140679756, ExAC 0.006%). This missense change has been observed in individual(s) with clinical features of primary microcephaly (PMID: 23611254). ClinVar contains an entry for this variant (Variation ID: 157915). Algorithms developed to predict the effect of missense changes on protein structure and function (SIFT, PolyPhen-2, Align-GVGD) all suggest that this variant is likely to be disruptive. In summary, the available evidence is currently insufficient to determine the role of this variant in disease. Therefore, it has been classified as a Variant of Uncertain Significance.

Genetic Services Laboratory, University of Chicago
Classification: Uncertain significance for Microcephaly 5, primary, autosomal recessive. Last evaluated: 2013-02-08. Review status: criteria provided, single submitter. Criteria: ACMG Guidelines, 2007. Collection method: clinical testing. Allele origin: germline. Inheritance: Autosomal recessive inheritance.

Literature cited by the submitters: PubMed 23611254 (cited by Labcorp Genetics (formerly Invitae), Labcorp).

NM_018136.5(ASPM):c.9577C>T (p.Arg3193Cys)

Gene: ASPM (assembly factor for spindle microtubules; minus strand). Cytogenetic location: 1q31.3.
Variant type: single nucleotide variant.
Coding change: c.9577C>T on transcript NM_018136.5 (MANE Select); coding-DNA position 9577, C replaced by T.
Protein change: p.Arg3193Cys; replaces arginine 3193 with cysteine.
Molecular consequence: missense variant.
Genome position (GRCh38, 1-based): chr1:197,090,909, G>A on the plus strand (C>T on the coding strand, the complement: ASPM is on the minus strand). VCF-style: chr1-197090909-G-A. GRCh37 (hg19) VCF-style: chr1-197060039-G-A.
Other names: c.4822C>T, p.Arg1608Cys (NM_001206846.2); short protein forms R3193C, R1608C.
Identifiers: ClinVar variation 157915 (VCV000157915.9), dbSNP rs140679756, ClinGen allele CA271153.